The following is an entry in ClinVar:

ClinVar aggregate classification (germline): Uncertain significance (1 of 4 stars; one submission).

Submission:

Labcorp Genetics (formerly Invitae), Labcorp
Classification: Uncertain significance. Last evaluated: 2023-02-13. Review status: criteria provided, single submitter. Criteria: Invitae Variant Classification Sherloc (09022015). Collection method: clinical testing. Allele origin: germline.
Comment: This sequence change replaces leucine, which is neutral and non-polar, with tryptophan, which is neutral and slightly polar, at codon 2107 of the MED12L protein (p.Leu2107Trp). This variant is not present in population databases (gnomAD no frequency). This variant has not been reported in the literature in individuals affected with MED12L-related conditions. Algorithms developed to predict the effect of missense changes on protein structure and function are either unavailable or do not agree on the potential impact of this missense change (SIFT: "Deleterious"; PolyPhen-2: "Probably Damaging"; Align-GVGD: "Class C0"). In summary, the available evidence is currently insufficient to determine the role of this variant in disease. Therefore, it has been classified as a Variant of Uncertain Significance.

NM_001393769.1(MED12L):c.6425T>G (p.Leu2142Trp)

Gene: MED12L (mediator complex subunit 12L; plus strand). Cytogenetic location: 3q25.1.
Variant type: single nucleotide variant.
Coding change: c.6425T>G on transcript NM_001393769.1 (MANE Select); coding-DNA position 6425, T replaced by G.
Protein change: p.Leu2142Trp; replaces leucine 2142 with tryptophan.
Molecular consequence: missense variant.
Genome position (GRCh38, 1-based): chr3:151,430,315, T>G. VCF-style: chr3-151430315-T-G. GRCh37 (hg19) VCF-style: chr3-151148103-T-G.
Other names: c.6320T>G, p.Leu2107Trp (NM_053002.6); short protein forms L2107W, L2142W.
Identifiers: ClinVar variation 2836725 (VCV002836725.3), dbSNP rs2474359811, ClinGen allele CA354979039.